The following is an entry in ClinVar:

ClinVar aggregate classification (germline): Uncertain significance (1 of 4 stars; one submission).

Allele frequency attached by ClinVar (database versions not stated): gnomAD 0.00001; gnomAD exomes 0.00002 and 0.00005; TOPMed 0.00002; ExAC 0.00003.
gnomAD v4.1: 42 of 1,613,988 alleles (0.0026%); highest among the groups gnomAD compares: South Asian, 0.015%; no homozygotes.

Submission:

Labcorp Genetics (formerly Invitae), Labcorp
Classification: Uncertain significance. Last evaluated: 2025-12-08. Review status: criteria provided, single submitter. Criteria: Invitae Variant Classification Sherloc (09022015). Collection method: clinical testing. Allele origin: germline.
Comment: This sequence change replaces glycine, which is neutral and non-polar, with serine, which is neutral and polar, at codon 199 of the SNIP1 protein (p.Gly199Ser). This variant is present in population databases (rs766499841, gnomAD 0.02%). This variant has not been reported in the literature in individuals affected with SNIP1-related conditions. ClinVar contains an entry for this variant (Variation ID: 1399674). Invitae Evidence Modeling of protein sequence and biophysical properties (such as structural, functional, and spatial information, amino acid conservation, physicochemical variation, residue mobility, and thermodynamic stability) indicates that this missense variant is not expected to disrupt SNIP1 protein function with a negative predictive value of 80%. In summary, the available evidence is currently insufficient to determine the role of this variant in disease. Therefore, it has been classified as a Variant of Uncertain Significance.

NM_024700.4(SNIP1):c.595G>A (p.Gly199Ser)

Genes: SNIP1 (Smad nuclear interacting protein 1; minus strand), LOC126805704 (BRD4-independent group 4 enhancer GRCh37_chr1:38005292-38006491; plus strand). Cytogenetic location: 1p34.3.
Variant type: single nucleotide variant.
Coding change: c.595G>A on transcript NM_024700.4 (MANE Select); coding-DNA position 595, G replaced by A.
Protein change: p.Gly199Ser; replaces glycine 199 with serine.
Molecular consequence: missense variant.
Genome position (GRCh38, 1-based): chr1:37,540,488, C>T on the plus strand (G>A on the coding strand, the complement: SNIP1 is on the minus strand). VCF-style: chr1-37540488-C-T. GRCh37 (hg19) VCF-style: chr1-38006089-C-T.
Other names: short protein forms G199S.
Identifiers: ClinVar variation 1399674 (VCV001399674.8), dbSNP rs766499841, ClinGen allele CA771296.